The following is an entry in ClinVar:

ClinVar aggregate classification (germline): Uncertain significance (1 of 4 stars; one submission).

Conditions:
Charcot-Marie-Tooth disease axonal type 2Z. Also called: CHARCOT-MARIE-TOOTH DISEASE, AXONAL, AUTOSOMAL DOMINANT, TYPE 2Z; CHARCOT-MARIE-TOOTH NEUROPATHY, TYPE 2Z. Identifiers: Orphanet 466768, MedGen C5569025, MONDO:0014736, OMIM 616688.

gnomAD v4.1: 35 of 1,614,090 alleles (0.0022%); highest among the groups gnomAD compares: Non-Finnish European, 0.0029%; no homozygotes.

Submission:

Labcorp Genetics (formerly Invitae), Labcorp
Classification: Uncertain significance for Charcot-Marie-Tooth disease axonal type 2Z. Last evaluated: 2025-07-30. Review status: criteria provided, single submitter. Criteria: Invitae Variant Classification Sherloc (09022015). Collection method: clinical testing. Allele origin: germline.
Comment: This sequence change replaces arginine, which is basic and polar, with tryptophan, which is neutral and slightly polar, at codon 659 of the MORC2 protein (p.Arg659Trp). The frequency data for this variant in the population databases is considered unreliable, as metrics indicate poor data quality at this position in the gnomAD database. This variant has not been reported in the literature in individuals affected with MORC2-related conditions. Invitae Evidence Modeling of protein sequence and biophysical properties (such as structural, functional, and spatial information, amino acid conservation, physicochemical variation, residue mobility, and thermodynamic stability) indicates that this missense variant is not expected to disrupt MORC2 protein function with a negative predictive value of 80%. In summary, the available evidence is currently insufficient to determine the role of this variant in disease. Therefore, it has been classified as a Variant of Uncertain Significance.

NM_001303256.3(MORC2):c.1975C>T (p.Arg659Trp)

Gene: MORC2 (MORC family CW-type zinc finger 2; minus strand). Cytogenetic location: 22q12.2.
Variant type: single nucleotide variant.
Coding change: c.1975C>T on transcript NM_001303256.3 (MANE Select); coding-DNA position 1975, C replaced by T.
Protein change: p.Arg659Trp; replaces arginine 659 with tryptophan.
Molecular consequence: missense variant.
Genome position (GRCh38, 1-based): chr22:30,934,999, G>A on the plus strand (C>T on the coding strand, the complement: MORC2 is on the minus strand). VCF-style: chr22-30934999-G-A. GRCh37 (hg19) VCF-style: chr22-31330986-G-A.
Other names: c.1975C>T, p.Arg659Trp (NM_001303257.2); c.1789C>T, p.Arg597Trp (NM_014941.3); short protein forms R597W, R659W.
Identifiers: ClinVar variation 4806164 (VCV004806164.1).